The following is an entry in ClinVar:

NC_000013.10:g.(?_32930559)_(32937676_?)dup

Gene: BRCA2 (BRCA2 DNA repair associated; plus strand). Cytogenetic location: 13q13.1.
Variant type: Duplication.
Identifiers: ClinVar variation 583622 (VCV000583622.2).

ClinVar aggregate classification (germline): Likely pathogenic (1 of 4 stars; one submission).

Conditions:
Hereditary breast ovarian cancer syndrome. Also called: Hereditary breast and ovarian cancer syndrome; Hereditary breast and/or ovarian cancer syndrome; Hereditary breast and ovarian cancer syndrome (HBOC); Breast and ovarian cancer; BRCA1- and BRCA2-Associated Hereditary Breast and Ovarian Cancer; Hereditary breast and ovarian cancer. Identifiers: Orphanet 145, MedGen C0677776, MeSH D061325, MONDO:0003582. Disease mechanism: loss of function.

Submission:

Labcorp Genetics (formerly Invitae), Labcorp
Classification: Likely pathogenic for Hereditary breast ovarian cancer syndrome. Last evaluated: 2018-02-15. Review status: criteria provided, single submitter. Criteria: Invitae Variant Classification Sherloc (09022015). Collection method: clinical testing. Allele origin: germline.
Comment: This variant is a gross duplication of the genomic region encompassing exons 15-18 of the BRCA2 gene. While the exact position of the duplicated exons cannot be determined from this data, sub-genic duplications are generally in tandem (PMID: 25640679) and may result in an absent or disrupted protein product. This variant has not been reported in the literature in individuals with BRCA2-related disease. ClinVar contains an entry for this variant (Variation ID: 267681). Loss-of-function variants in BRCA2 are known to be pathogenic (PMID: 20104584). In summary, the currently available evidence indicates that the variant is pathogenic, but additional data are needed to prove that conclusively. Therefore, this variant has been classified as Likely Pathogenic.

Literature cited by the submitters: PubMed 25640679; PubMed 20104584.